The following is an entry in ClinVar:

ClinVar aggregate classification (germline): Uncertain significance (1 of 4 stars; one submission).

Conditions:
GLI3-related disorder. Also called: GLI3-related condition; GLI3-related disorders. Identifiers: MedGen CN239292.

gnomAD v4.1: 3 of 1,613,438 alleles (0.00019%); highest among the groups gnomAD compares: East Asian, 0.0045%; no homozygotes.

Submission:

PreventionGenetics, part of Exact Sciences
Classification: Uncertain significance for GLI3-related condition. Last evaluated: 2026-08-01. Review status: criteria provided, single submitter. Criteria: ACMG Guidelines, 2015. Collection method: clinical testing. Allele origin: germline.
Comment: The GLI3 c.22T>C variant is predicted to result in the amino acid substitution p.Ser8Pro. To our knowledge, this variant has not been reported in the literature. This variant is reported in 0.011% of alleles in individuals of East Asian descent in gnomAD, consisting of 2 out of ~250,000 alleles. At this time, the clinical significance of this variant is uncertain due to the absence of conclusive functional and genetic evidence.

NM_000168.6(GLI3):c.22T>C (p.Ser8Pro)

Gene: GLI3 (GLI family zinc finger 3; minus strand). Cytogenetic location: 7p14.1.
Variant type: single nucleotide variant.
Coding change: c.22T>C on transcript NM_000168.6 (MANE Select); coding-DNA position 22, T replaced by C.
Protein change: p.Ser8Pro; replaces serine 8 with proline.
Molecular consequence: missense variant.
Genome position (GRCh38, 1-based): chr7:42,223,232, A>G on the plus strand (T>C on the coding strand, the complement: GLI3 is on the minus strand). VCF-style: chr7-42223232-A-G. GRCh37 (hg19) VCF-style: chr7-42262831-A-G.
Other names: short protein forms S8P.
Identifiers: ClinVar variation 4989866 (VCV004989866.1).